The following is an entry in ClinVar:

ClinVar aggregate classification (germline): Uncertain significance (1 of 4 stars; one submission).

Conditions:
Nephronophthisis 15 (NPHP15). Identifiers: Orphanet 3156, MedGen C3541853, MONDO:0013917, OMIM 614845.

Allele frequency attached by ClinVar (database versions not stated): ExAC 0.00001; gnomAD 0.00001.
gnomAD v4.1: 9 of 1,606,672 alleles (0.00056%); highest among the groups gnomAD compares: East Asian, 0.0067%; no homozygotes.

Submission:

Labcorp Genetics (formerly Invitae), Labcorp
Classification: Uncertain significance for Nephronophthisis 15. Last evaluated: 2021-10-21. Review status: criteria provided, single submitter. Criteria: Invitae Variant Classification Sherloc (09022015). Collection method: clinical testing. Allele origin: germline.
Comment: In summary, the available evidence is currently insufficient to determine the role of this variant in disease. Therefore, it has been classified as a Variant of Uncertain Significance. Algorithms developed to predict the effect of missense changes on protein structure and function output the following: SIFT: "Deleterious"; PolyPhen-2: "Benign"; Align-GVGD: "Class C0". The proline amino acid residue is found in multiple mammalian species, which suggests that this missense change does not adversely affect protein function. This variant has not been reported in the literature in individuals affected with CEP164-related conditions. This variant is present in population databases (rs774024619, ExAC 0.01%). This sequence change replaces serine with proline at codon 1346 of the CEP164 protein (p.Ser1346Pro). The serine residue is highly conserved and there is a moderate physicochemical difference between serine and proline.

NM_014956.5(CEP164):c.4036T>C (p.Ser1346Pro)

Gene: CEP164 (centrosomal protein 164; plus strand). Cytogenetic location: 11q23.3.
Variant type: single nucleotide variant.
Coding change: c.4036T>C on transcript NM_014956.5 (MANE Select); coding-DNA position 4036, T replaced by C.
Protein change: p.Ser1346Pro; replaces serine 1346 with proline.
Molecular consequence: missense variant.
Genome position (GRCh38, 1-based): chr11:117,409,905, T>C. VCF-style: chr11-117409905-T-C. GRCh37 (hg19) VCF-style: chr11-117280621-T-C.
Other names: c.4021T>C, p.Ser1341Pro (NM_001271933.2); short protein forms S1341P, S1346P.
Identifiers: ClinVar variation 1383012 (VCV001383012.4), dbSNP rs774024619, ClinGen allele CA6295653.